The following is an entry in ClinVar:

ClinVar aggregate classification (germline): Uncertain significance (1 of 4 stars; one submission).

Conditions:
Nemaline myopathy 2 (NEM2). Also called: Nemaline myopathy 2, autosomal recessive. Identifiers: MedGen C1850569, MONDO:0009725, OMIM 256030.

Submission:

Labcorp Genetics (formerly Invitae), Labcorp
Classification: Uncertain significance for Nemaline myopathy 2. Last evaluated: 2023-09-18. Review status: criteria provided, single submitter. Criteria: Invitae Variant Classification Sherloc (09022015). Collection method: clinical testing. Allele origin: germline.
Comment: In summary, the available evidence is currently insufficient to determine the role of this variant in disease. Therefore, it has been classified as a Variant of Uncertain Significance. Experimental studies and prediction algorithms are not available or were not evaluated, and the functional significance of this variant is currently unknown. This variant has not been reported in the literature in individuals affected with NEB-related conditions. This variant is not present in population databases (gnomAD no frequency). This sequence change replaces lysine, which is basic and polar, with asparagine, which is neutral and polar, at codon 3036 of the NEB protein (p.Lys3036Asn).

NM_001164508.2(NEB):c.9108A>T (p.Lys3036Asn)

Gene: NEB (nebulin; minus strand). Cytogenetic location: 2q23.3.
Variant type: single nucleotide variant.
Coding change: c.9108A>T on transcript NM_001164508.2 (MANE Select); coding-DNA position 9108, A replaced by T.
Protein change: p.Lys3036Asn; replaces lysine 3036 with asparagine.
Molecular consequence: missense variant. On other transcripts: intron variant (1).
Genome position (GRCh38, 1-based): chr2:151,633,960, T>A on the plus strand (A>T on the coding strand, the complement: NEB is on the minus strand). VCF-style: chr2-151633960-T-A. GRCh37 (hg19) VCF-style: chr2-152490474-T-A.
Other names: c.9108A>T, p.Lys3036Asn (NM_001164507.2, NM_001271208.2); c.8854-2782A>T (NM_004543.5); short protein forms K3036N.
Identifiers: ClinVar variation 2715460 (VCV002715460.2), dbSNP rs2552239925, ClinGen allele CA348804467.